The following is an entry in ClinVar:

ClinVar aggregate classification (germline): Uncertain significance. Review status: criteria provided, multiple submitters, no conflicts (2 of 4 stars). 5 submissions from 5 submitters: Uncertain significance (5). Last evaluated 2024-11-26.

Conditions:
SBDS-related disorder. Also called: SBDS-related condition.
Aplastic anemia. Identifiers: Orphanet 182040, Orphanet 88, MedGen C0002874, MONDO:0015909, OMIM 609135, HP:0001915.
Shwachman-Diamond syndrome 1 (SDS1). Also called: LIPOMATOSIS OF PANCREAS, CONGENITAL. Identifiers: MedGen C4692625, MONDO:0044204, OMIM 260400.

Allele frequency attached by ClinVar (database versions not stated): gnomAD 0.00005 and 0.00006; gnomAD exomes 0.00005 and 0.00006; TOPMed 0.00005; ExAC 0.00007; ESP Exome Variant Server 0.00008.
gnomAD v4.1: 101 of 1,613,702 alleles (0.0063%); highest among the groups gnomAD compares: Middle Eastern, 0.12%; no homozygotes.

Submissions (5):

PreventionGenetics, part of Exact Sciences
Classification: Uncertain significance for SBDS-related condition. Last evaluated: 2024-11-26. Review status: criteria provided, single submitter. Criteria: ACMG Guidelines, 2015. Collection method: clinical testing. Allele origin: germline.
Comment: The SBDS c.664G>C variant is predicted to result in the amino acid substitution p.Glu222Gln. To our knowledge, this variant has not been reported in the literature. This variant is reported in 0.0085% of alleles in individuals of Latino descent in gnomAD. At this time, the clinical significance of this variant is uncertain due to the absence of conclusive functional and genetic evidence.

Blueprint Genetics
Classification: Uncertain significance. Last evaluated: 2024-11-22. Review status: criteria provided, single submitter. Criteria: ACMG Guidelines, 2015. Collection method: clinical testing. Allele origin: germline.

Fulgent Genetics
Classification: Uncertain significance for Shwachman-Diamond syndrome 1; Aplastic anemia. Last evaluated: 2024-03-02. Review status: criteria provided, single submitter. Criteria: ACMG Guidelines, 2015. Collection method: clinical testing. Allele origin: germline.

Mayo Clinic Laboratories, Mayo Clinic
Classification: Uncertain significance. Last evaluated: 2023-02-24. Review status: criteria provided, single submitter. Criteria: ACMG Guidelines, 2015. Collection method: clinical testing. Allele origin: germline. Observed: 4 variant alleles.
Comment: PP3

GeneDx
Classification: Uncertain significance. Last evaluated: 2019-11-25. Review status: criteria provided, single submitter. Criteria: GeneDx Variant Classification Process June 2021. Collection method: clinical testing. Allele origin: germline. Affected: yes.
Comment: In silico analysis, which includes protein predictors and evolutionary conservation, supports that this variant does not alter protein structure/function; Has not been previously published as pathogenic or benign to our knowledge

NM_016038.4(SBDS):c.664G>C (p.Glu222Gln)

Gene: SBDS (SBDS ribosome maturation factor; minus strand). Cytogenetic location: 7q11.21.
Variant type: single nucleotide variant.
Coding change: c.664G>C on transcript NM_016038.4 (MANE Select); coding-DNA position 664, G replaced by C.
Protein change: p.Glu222Gln; replaces glutamic acid 222 with glutamine.
Molecular consequence: missense variant.
Genome position (GRCh38, 1-based): chr7:66,988,460, C>G on the plus strand (G>C on the coding strand, the complement: SBDS is on the minus strand). VCF-style: chr7-66988460-C-G. GRCh37 (hg19) VCF-style: chr7-66453447-C-G.
Other names: short protein forms E222Q.
Identifiers: ClinVar variation 1163279 (VCV001163279.11), dbSNP rs371133001, ClinGen allele CA4279113.